The following is an entry in ClinVar:

NM_001365536.1(SCN9A):c.4892G>T (p.Arg1631Leu)

Genes: SCN1A-AS1 (SCN1A and SCN9A antisense RNA 1; plus strand), SCN9A (sodium voltage-gated channel alpha subunit 9; minus strand). Cytogenetic location: 2q24.3.
Variant type: single nucleotide variant.
Coding change: c.4892G>T on transcript NM_001365536.1 (MANE Select); coding-DNA position 4892, G replaced by T.
Protein change: p.Arg1631Leu; replaces arginine 1631 with leucine.
Molecular consequence: missense variant. On other transcripts: non-coding transcript variant (1).
Genome position (GRCh38, 1-based): chr2:166,199,747, C>A on the plus strand (G>T on the coding strand, the complement: SCN9A is on the minus strand). VCF-style: chr2-166199747-C-A. GRCh37 (hg19) VCF-style: chr2-167056257-C-A.
Other names: c.4859G>T, p.Arg1620Leu (NM_002977.4); short protein forms R1620L, R1631L.
Identifiers: ClinVar variation 426795 (VCV000426795.18), dbSNP rs201079869, ClinGen allele CA1943754.
Genomic context (GRCh38, chr2:166,199,747, plus strand): 5'-AGCAGGAGGCCGATGTTAAACAACGCAGGAAGGGACATCATCAAAGCAAAGAGCAGCGTG[C>A]GGATCCCCTTTGCTCCTTTGACTAGACGTAGGATTCGGCCAATCCTGGCAAGACGGATCA-3'
Protein context (NP_001352465.1, residues 1621-1641): LRLVKGAKGI[Arg1631Leu]TLLFALMMSL

ClinVar aggregate classification (germline): Uncertain significance. Review status: criteria provided, multiple submitters, no conflicts (2 of 4 stars). 5 submissions from 5 submitters: Uncertain significance (5). Last evaluated 2025-07-27.

Conditions:
Generalized epilepsy with febrile seizures plus, type 7 (GEFSP7). Also called: GEFS+, TYPE 7. Identifiers: Orphanet 36387, MedGen C2751778, MONDO:0013470, OMIM 613863.
Neuropathy, hereditary sensory and autonomic, type 2A (HSAN2A). Also called: MORVAN DISEASE; NEUROPATHY, CONGENITAL SENSORY; NEUROPATHY, HEREDITARY SENSORY RADICULAR, AUTOSOMAL RECESSIVE; NEUROPATHY, HEREDITARY SENSORY, TYPE IIA; NEUROPATHY, PROGRESSIVE SENSORY, OF CHILDREN; HSAN IIA. Identifiers: Orphanet 970, MedGen C2752089, MONDO:0024309, OMIM 201300.
Inborn genetic diseases. Identifiers: MedGen C0950123, MeSH D030342.

Allele frequency attached by ClinVar (database versions not stated): ExAC 0.00003; gnomAD exomes 0.00004; gnomAD 0.00006; TOPMed 0.00006; ESP Exome Variant Server 0.00008.
gnomAD v4.1: 339 of 1,613,950 alleles (0.021%); highest among the groups gnomAD compares: Non-Finnish European, 0.027%; no homozygotes.

Submissions (5):

Labcorp Genetics (formerly Invitae), Labcorp
Classification: Uncertain significance for Neuropathy, hereditary sensory and autonomic, type 2A; Generalized epilepsy with febrile seizures plus, type 7. Last evaluated: 2025-07-27. Review status: criteria provided, single submitter. Criteria: Invitae Variant Classification Sherloc (09022015). Collection method: clinical testing. Allele origin: germline.
Comment: This sequence change replaces arginine, which is basic and polar, with leucine, which is neutral and non-polar, at codon 1620 of the SCN9A protein (p.Arg1620Leu). This variant is present in population databases (rs201079869, gnomAD 0.008%). This missense change has been observed in individual(s) with small fiber neuropathy (PMID: 30554136). ClinVar contains an entry for this variant (Variation ID: 426795). Invitae Evidence Modeling of protein sequence and biophysical properties (such as structural, functional, and spatial information, amino acid conservation, physicochemical variation, residue mobility, and thermodynamic stability) has been performed for this missense variant. However, the output from this modeling did not meet the statistical confidence thresholds required to predict the impact of this variant on SCN9A protein function. In summary, the available evidence is currently insufficient to determine the role of this variant in disease. Therefore, it has been classified as a Variant of Uncertain Significance.

Blueprint Genetics
Classification: Uncertain significance. Last evaluated: 2024-10-01. Review status: criteria provided, single submitter. Criteria: ACMG Guidelines, 2015. Collection method: clinical testing. Allele origin: germline.

Mayo Clinic Laboratories, Mayo Clinic
Classification: Uncertain significance. Last evaluated: 2020-05-28. Review status: criteria provided, single submitter. Criteria: ACMG Guidelines, 2015. Collection method: clinical testing. Allele origin: germline. Observed: 1 variant allele.

Ambry Genetics
Classification: Uncertain significance for Inborn genetic diseases. Last evaluated: 2019-09-13. Review status: criteria provided, single submitter. Criteria: Ambry Variant Classification Scheme 2023. Collection method: clinical testing. Allele origin: germline.
Comment: The p.R1620L variant (also known as c.4859G>T), located in coding exon 26 of the SCN9A gene, results from a G to T substitution at nucleotide position 4859. The arginine at codon 1620 is replaced by leucine, an amino acid with dissimilar properties. This amino acid position is highly conserved in available vertebrate species. In addition, this alteration is predicted to be deleterious by in silico analysis. Based on the supporting evidence, this variant is unlikely to be causative of primary erythermalgia/small fiber neuropathy, and paroxysmal extreme pain disorder (PEPD); however, its contribution to the development of congenital insensitivity to pain (CIP) and hereditary sensory autonomic neuropathy type II (HSAN2D) is uncertain.

GeneDx
Classification: Uncertain significance. Last evaluated: 2018-12-12. Review status: criteria provided, single submitter. Criteria: GeneDx Variant Classification (06012015). Collection method: clinical testing. Allele origin: germline. Affected: yes.
Comment: A variant of uncertain significance has been identified in the SCN9A gene. The R1620L variant has not been published as a pathogenic variant, nor has it been reported as a benign variant to our knowledge. The R1620L variant is observed in 4/66,740 alleles from individuals of European background (Lek et al., 2016; 1000 Genomes Consortium et al., 2015; Exome Variant Server). The R1620L variant is a non-conservative amino acid substitution, which is likely to impact secondary protein structure as these residues differ in polarity, charge, size and/or other properties. This substitution occurs at a conserved position predicted to be within the transmembrance segment S4 voltage sensor of the fourth homologous domain. In silico analysis predicts this variant is probably damaging to the protein structure/function. Based on the currently available information, it is unclear whether this variant is a pathogenic variant or a rare benign variant.

Literature cited by the submitters: PubMed 30554136 (cited by Labcorp Genetics (formerly Invitae), Labcorp).